The following is an entry in ClinVar:

NC_000005.9:g.(?_140953039)_(140954733_?)dup

Gene: DIAPH1 (diaphanous related formin 1; minus strand). Cytogenetic location: 5q31.3.
Variant type: Duplication.
Identifiers: ClinVar variation 3246413 (VCV003246413.1).

ClinVar aggregate classification (germline): Uncertain significance (1 of 4 stars; one submission).

Conditions:
Autosomal dominant nonsyndromic hearing loss 1. Also called: DEAFNESS, AUTOSOMAL DOMINANT 1, WITH OR WITHOUT THROMBOCYTOPENIA; KONIGSMARK SYNDROME. Identifiers: Orphanet 90635, MedGen C1852282, MONDO:0007424, OMIM 124900.
Progressive microcephaly-seizures-cortical blindness-developmental delay syndrome. Also called: Seizures, cortical blindness, and microcephaly syndrome. Identifiers: Orphanet 477814, MedGen C5567650, MONDO:0014714, OMIM 616632.

Submission:

Labcorp Genetics (formerly Invitae), Labcorp
Classification: Uncertain significance for Progressive microcephaly-seizures-cortical blindness-developmental delay syndrome; Autosomal dominant nonsyndromic hearing loss 1. Last evaluated: 2023-01-26. Review status: criteria provided, single submitter. Criteria: Invitae Variant Classification Sherloc (09022015). Collection method: clinical testing. Allele origin: unknown.
Comment: In summary, the available evidence is currently insufficient to determine the role of this variant in disease. Therefore, it has been classified as a Variant of Uncertain Significance. Experimental studies and prediction algorithms are not available or were not evaluated, and the functional significance of this variant is currently unknown. This variant has not been reported in the literature in individuals affected with DIAPH1-related conditions. This variant results in a copy number gain of the genomic region encompassing exon(s) 15-16 of the DIAPH1 gene. While the exact position of this variant cannot be determined from the data, sub-genic copy number gains are generally in tandem (PMID: 25640679). This variant is predicted to be in-frame, and likely preserves the integrity of the reading frame.

Literature cited by the submitters: PubMed 25640679.